The following is an entry in ClinVar:

NM_170784.3(MKKS):c.1712_*3delinsTC (p.Ter571Phe)

Gene: MKKS (MKKS centrosomal shuttling protein; minus strand). Cytogenetic location: 20p12.2.
Variant type: Indel.
Coding change: c.1712_*3delinsTC on transcript NM_170784.3 (MANE Select); coding-DNA position 1712 through 3 bases downstream of the stop codon, AAGAG replaced by TC.
Protein change: p.Ter571Phe.
Molecular consequence: stop lost. On other transcripts: non-coding transcript variant (1).
Genome position (GRCh38, 1-based): chr20:10,405,244-10,405,248, CTCTT replaced by GA on the plus strand (AAGAG replaced by TC on the coding strand, the reverse complement: MKKS is on the minus strand). VCF-style: chr20-10405244-CTCTT-GA. GRCh37 (hg19) VCF-style: chr20-10385892-CTCTT-GA.
Other names: c.1712_*3delinsTC, p.Ter571Phe (NM_018848.3).
Identifiers: ClinVar variation 4998654 (VCV004998654.1).
Genomic context (GRCh38, chr20:10,405,244, plus strand): 5'-TTTTTCTCAATTGCCAACAGACTAGTTTATTTGTTTCTCTTGTAATACGAACATGCTATT[CTCTT>GA]AGTTTTTATCTTCAATAACATATGAAAGATCCAAAATCAAATTGGCTGTCTCTACAGCCA-3'

ClinVar aggregate classification (germline): Uncertain significance (1 of 4 stars; one submission).

Conditions:
MKKS-related disorder. Also called: MKKS-related disorders; MKKS-related condition.

Submission:

PreventionGenetics, part of Exact Sciences
Classification: Uncertain significance for MKKS-related condition. Last evaluated: 2025-03-21. Review status: criteria provided, single submitter. Criteria: ACMG Guidelines, 2015. Collection method: clinical testing. Allele origin: germline.
Comment: The MKKS c.1712_*3delinsTC variant is predicted to result in extension of the open reading frame (p.*571Pheext*13). This variant is predicted to not alter splicing based on available splicing prediction programs (SpliceAI, Jaganathan et al. 2019. PubMed ID: 30661751). However, the use of computer prediction programs is not equivalent to functional evidence. To our knowledge, this variant has not been reported in the literature or in a large population database (gnomAD), indicating this variant is rare. Although we suspect that this variant may be benign, at this time, the clinical significance of this variant is uncertain due to the absence of conclusive functional and genetic evidence.